The following is an entry in ClinVar:

NM_001267550.2(TTN):c.66985dup (p.Ala22329fs)

Genes: TTN-AS1 (TTN antisense RNA 1; plus strand), TTN (titin; minus strand). Cytogenetic location: 2q31.2.
Variant type: Duplication.
Coding change: c.66985dup on transcript NM_001267550.2 (MANE Select); coding-DNA position 66985, one base duplicated (G; older notation c.66985dupG).
Protein change: p.Ala22329fs; shifts the reading frame from alanine 22329.
Molecular consequence: frameshift variant.
Genome position (GRCh38, 1-based): chr2:178,580,394, C duplicated on the plus strand (G on the coding strand, the reverse complement: TTN is on the minus strand). VCF-style (leftmost placement, unchanged base first): chr2-178580393-G-GC. GRCh37 (hg19) VCF-style: chr2-179445120-G-GC.
Other names: c.62062dup, p.Ala20688fs (NM_001256850.1); c.39790dup, p.Ala13264fs (NM_003319.4); c.59281dup, p.Ala19761fs (NM_133378.4); c.40165dup, p.Ala13389fs (NM_133432.3); c.40366dup, p.Ala13456fs (NM_133437.4); short protein forms A13456fs, A19761fs, A13264fs, A13389fs, A20688fs, A22329fs.
Identifiers: ClinVar variation 2087840 (VCV002087840.4), dbSNP rs2468927004, ClinGen allele CA2580064662.
Genomic context (GRCh38, chr2:178,580,393, plus strand): 5'-ACAACAATGGTATATTCCTTTTTACCACAGCTGTTCTCCAGGGTTAAGATATATTTTCCT[G>GC]CATCATATTTGTTCACATTTTCACAGCGCAAGAAAGTGTCAAAGTCAGTTGACTTTATGT-3'

ClinVar aggregate classification (germline): Likely pathogenic (1 of 4 stars; one submission).

Conditions:
Autosomal recessive limb-girdle muscular dystrophy type 2J (LGMDR10). Also called: Limb-girdle muscular dystrophy, type 2J; MUSCULAR DYSTROPHY, LIMB-GIRDLE, AUTOSOMAL RECESSIVE 10. Identifiers: Orphanet 140922, MedGen C1837342, MONDO:0012127, OMIM 608807.
Dilated cardiomyopathy 1G (CMD1G). Identifiers: Orphanet 154, MedGen C1858763, MONDO:0011400, OMIM 604145.

Submission:

Labcorp Genetics (formerly Invitae), Labcorp
Classification: Likely pathogenic for Dilated cardiomyopathy 1G; Autosomal recessive limb-girdle muscular dystrophy type 2J. Last evaluated: 2023-03-20. Review status: criteria provided, single submitter. Criteria: Invitae Variant Classification Sherloc (09022015). Collection method: clinical testing. Allele origin: germline.
Comment: In summary, the currently available evidence indicates that the variant is pathogenic, but additional data are needed to prove that conclusively. Therefore, this variant has been classified as Likely Pathogenic. This sequence change creates a premature translational stop signal (p.Ala22329Glyfs*14) in the TTN gene. While this is not anticipated to result in nonsense mediated decay, it is expected to create a truncated TTN protein. This variant is not present in population databases (gnomAD no frequency). This variant has not been reported in the literature in individuals affected with TTN-related conditions. ClinVar contains an entry for this variant (Variation ID: 2087840). This variant is located in the A band of TTN (PMID: 25589632). Truncating variants in this region are significantly overrepresented in patients affected with dilated cardiomyopathy (PMID: 25589632). Truncating variants in this region have also been reported in individuals affected with autosomal recessive centronuclear myopathy (PMID: 23975875).

Literature cited by the submitters: PubMed 25589632; PubMed 23975875.